The following is an entry in ClinVar:

NM_000548.5(TSC2):c.582C>G (p.Tyr194Ter)

Gene: TSC2 (TSC complex subunit 2; plus strand). Cytogenetic location: 16p13.3.
Variant type: single nucleotide variant.
Coding change: c.582C>G on transcript NM_000548.5 (MANE Select); coding-DNA position 582, C replaced by G.
Protein change: p.Tyr194Ter; replaces tyrosine 194 with a stop codon.
Molecular consequence: nonsense. On other transcripts: intron variant (1).
Genome position (GRCh38, 1-based): chr16:2,055,502, C>G. VCF-style: chr16-2055502-C-G. GRCh37 (hg19) VCF-style: chr16-2105503-C-G.
Other names: c.582C>G, p.Tyr194Ter (NM_001077183.3, NM_001114382.3, NM_001363528.2 and 3 more transcripts); c.471C>G, p.Tyr157Ter (NM_001318827.2); c.435C>G, p.Tyr145Ter (NM_001318829.2); c.615C>G, p.Tyr205Ter (NM_001318832.2); c.-1-694C>G (NM_001318831.2); short protein forms Y194*, Y205*, Y145*, Y157*.
Identifiers: ClinVar variation 952313 (VCV000952313.7), dbSNP rs750174170, ClinGen allele CA394309794.
Genomic context (GRCh38, chr16:2,055,502, plus strand): 5'-GGAATTCCTTCTGGTGCTGGTGAACTTGGTCAAATTCAATAGCTGTTACCTCGACGAGTA[C>G]ATCGCAAGGATGGTTCAGTAAGAAAAGAATTGAGATCCTGTTCTGATAATGGTCCTAAGT-3'

ClinVar aggregate classification (germline): Pathogenic (1 of 4 stars; one submission).

Conditions:
Tuberous sclerosis 2 (TSC2). Identifiers: Orphanet 805, MedGen C1860707, MONDO:0013199, OMIM 613254.

Submission:

Labcorp Genetics (formerly Invitae), Labcorp
Classification: Pathogenic for Tuberous sclerosis 2. Last evaluated: 2019-07-14. Review status: criteria provided, single submitter. Criteria: Invitae Variant Classification Sherloc (09022015). Collection method: clinical testing. Allele origin: germline.
Comment: For these reasons, this variant has been classified as Pathogenic. This sequence change creates a premature translational stop signal (p.Tyr194*) in the TSC2 gene. It is expected to result in an absent or disrupted protein product. This variant is not present in population databases (ExAC no frequency). This variant has not been reported in the literature in individuals with TSC2-related conditions. Loss-of-function variants in TSC2 are known to be pathogenic (PMID: 10205261, 17304050).

Literature cited by the submitters: PubMed 10205261; PubMed 17304050.